The following is an entry in ClinVar:

ClinVar aggregate classification (germline): Benign/Likely benign. Review status: criteria provided, multiple submitters, no conflicts (2 of 4 stars). 17 submissions from 16 submitters: Benign (6); Likely benign (8). 3 of the submissions do not count toward it. Last evaluated 2026-08-01.

Conditions:
Perrault syndrome. Also called: Gonadal dysgenesis with auditory dysfunction, autosomal recessive inheritance. Identifiers: Orphanet 2855, MedGen C0685838, MONDO:0017312.
Bifunctional peroxisomal enzyme deficiency (DBIF). Also called: DBP DEFICIENCY; PBFE DEFICIENCY; D-bifunctional protein deficiency. Identifiers: Orphanet 300, MedGen C0342870, MONDO:0009855, OMIM 261515. Disease mechanism: loss of function.
Perrault syndrome 1 (PRLTS1). Also called: GONADAL DYSGENESIS, XX TYPE, WITH DEAFNESS; OVARIAN DYSGENESIS WITH SENSORINEURAL DEAFNESS. Identifiers: Orphanet 2855, Orphanet 642945, MedGen C4551721, MONDO:0009300, OMIM 233400.

Allele frequency attached by ClinVar (database versions not stated): 1000 Genomes Project 0.00200; 1000 Genomes Project 30x 0.00203; ExAC 0.00312; ESP Exome Variant Server 0.00392; TOPMed 0.00418.
gnomAD v4.1: 7,843 of 1,585,784 alleles (0.49%); highest among the groups gnomAD compares: Non-Finnish European, 0.62%; 25 homozygotes.

Submissions (17):

CeGaT Center for Human Genetics Tuebingen
Classification: Likely benign. Last evaluated: 2026-08-01. Review status: criteria provided, single submitter. Criteria: CeGaT Center For Human Genetics Tuebingen Variant Classification Criteria Version 2. Collection method: clinical testing. Allele origin: germline. Affected: yes. Observed: 29 variant alleles.
Comment: HSD17B4: BP4, BS2

Labcorp Genetics (formerly Invitae), Labcorp
Classification: Benign for Perrault syndrome; Bifunctional peroxisomal enzyme deficiency. Last evaluated: 2026-02-01. Review status: criteria provided, single submitter. Criteria: Invitae Variant Classification Sherloc (09022015). Collection method: clinical testing. Allele origin: germline.

Blueprint Genetics
Classification: Likely benign. Last evaluated: 2024-11-26. Review status: criteria provided, single submitter. Criteria: ACMG Guidelines, 2015. Collection method: clinical testing. Allele origin: germline.

Mayo Clinic Laboratories, Mayo Clinic
Classification: Benign. Last evaluated: 2024-10-16. Review status: criteria provided, single submitter. Criteria: ACMG Guidelines, 2015. Collection method: clinical testing. Allele origin: germline. Observed: 10 variant alleles.
Comment: BA1, BS2

ARUP Laboratories, Molecular Genetics and Genomics, ARUP Laboratories
Classification: Benign. Last evaluated: 2023-10-16. Review status: criteria provided, single submitter. Criteria: ARUP Molecular Germline Variant Investigation Process 2024. Collection method: clinical testing. Allele origin: germline.

Women's Health and Genetics/Laboratory Corporation of America, LabCorp
Classification: Benign. Last evaluated: 2022-07-27. Review status: criteria provided, single submitter. Criteria: LabCorp Variant Classification Summary - May 2015. Collection method: clinical testing. Allele origin: germline.
Comment: Variant summary: HSD17B4 c.1471G>A (p.Ala491Thr) results in a non-conservative amino acid change located in the MaoC-like dehydratase domain (IPR002539) of the encoded protein sequence. Three of five in-silico tools predict a damaging effect of the variant on protein function. The variant allele was found at a frequency of 0.0034 in 251252 control chromosomes in the gnomAD database, including 3 homozygotes. The observed variant frequency is approximately 1.2 fold of the estimated maximal expected allele frequency for a pathogenic variant in HSD17B4 causing D-Bifunctional Protein Deficiency phenotype (0.003), strongly suggesting that the variant is benign. To our knowledge, no experimental evidence demonstrating an impact on protein function has been reported. Nine ClinVar submitters (evaluation after 2014) cite the variant as benign (n=4) and likely benign (n=5). Based on the evidence outlined above, the variant was classified as benign.

Athena Diagnostics
Classification: Likely benign. Last evaluated: 2019-07-15. Review status: criteria provided, single submitter. Criteria: Athena Diagnostics Criteria. Collection method: clinical testing. Allele origin: germline.

Illumina Laboratory Services, Illumina
Classification: Likely benign for Perrault syndrome 1. Last evaluated: 2018-01-13. Review status: criteria provided, single submitter. Criteria: ICSL Variant Classification Criteria 13 December 2019. Collection method: clinical testing. Allele origin: germline.
Comment: This variant was observed in the ICSL laboratory as part of a predisposition screen in an ostensibly healthy population. It had not been previously curated by ICSL or reported in the Human Gene Mutation Database (HGMD: prior to June 1st, 2018), and was therefore a candidate for classification through an automated scoring system. Utilizing variant allele frequency, disease prevalence and penetrance estimates, and inheritance mode, an automated score was calculated to assess if this variant is too frequent to cause the disease. Based on the score and internal cut-off values, a variant classified as likely benign is not then subjected to further curation. The score for this variant resulted in a classification of likely benign for this disease.

Illumina Laboratory Services, Illumina
Classification: Likely benign for Bifunctional peroxisomal enzyme deficiency. Last evaluated: 2018-01-13. Review status: criteria provided, single submitter. Criteria: ICSL Variant Classification Criteria 13 December 2019. Collection method: clinical testing. Allele origin: germline.
Comment: the same text as in the submission from Illumina Laboratory Services, Illumina above.

GeneDx
Classification: Benign. Last evaluated: 2017-12-07. Review status: criteria provided, single submitter. Criteria: GeneDx Variant Classification (06012015). Collection method: clinical testing. Allele origin: germline. Affected: yes.
Comment: This variant is considered likely benign or benign based on one or more of the following criteria: it is a conservative change, it occurs at a poorly conserved position in the protein, it is predicted to be benign by multiple in silico algorithms, and/or has population frequency not consistent with disease.

Center for Pediatric Genomic Medicine, Children's Mercy Hospital and Clinics
Classification: Likely benign. Last evaluated: 2015-08-19. Review status: criteria provided, single submitter. Criteria: ACMG Guidelines, 2015. Collection method: clinical testing. Allele origin: germline.
ClinVar note: Converted during submission from Likely Benign to Likely benign.

Eurofins Ntd Llc (ga)
Classification: Likely benign. Last evaluated: 2015-03-30. Review status: criteria provided, single submitter. Criteria: EGL Classification Definitions 2015. Collection method: clinical testing. Allele origin: germline. Observed: 1 variant allele, 1 heterozygote.

Laboratory for Molecular Medicine, Mass General Brigham Personalized Medicine
Classification: Benign. Last evaluated: 2014-11-24. Review status: criteria provided, single submitter. Criteria: LMM Criteria. Collection method: clinical testing. Allele origin: germline. Observed: 7 variant alleles.
Comment: Ala516Thr in exon 18 of HSD17B4: This variant is not expected to have clinical s ignificance because it has been identified in 0.6% (48/8596) of European America n chromosomes from a broad population by the NHLBI Exome Sequencing Project (dbSNP rs28943591).

Breakthrough Genomics
Classification: Likely benign. Review status: criteria provided, single submitter. Criteria: ACMG Guidelines, 2015. Collection method: not provided. Allele origin: germline. Inheritance: Autosomal recessive inheritance. Affected: yes.

Natera, Inc.
Classification: Benign for Bifunctional peroxisomal enzyme deficiency. Last evaluated: 2020-01-12. Review status: no assertion criteria provided. Collection method: clinical testing. Allele origin: germline. Not counted in ClinVar's aggregate classification.

Clinical Genetics DNA and cytogenetics Diagnostics Lab, Erasmus MC, Erasmus Medical Center
Classification: Likely benign. Review status: no assertion criteria provided. Collection method: clinical testing. Allele origin: germline. Affected: yes. Study: VKGL Data-share Consensus. Not counted in ClinVar's aggregate classification.

Diagnostic Laboratory, Department of Genetics, University Medical Center Groningen
Classification: Likely benign. Review status: no assertion criteria provided. Collection method: clinical testing. Allele origin: germline. Affected: yes. Study: VKGL Data-share Consensus. Not counted in ClinVar's aggregate classification.

NM_000414.4(HSD17B4):c.1471G>A (p.Ala491Thr)

Gene: HSD17B4 (hydroxysteroid 17-beta dehydrogenase 4; plus strand). Cytogenetic location: 5q23.1.
Variant type: single nucleotide variant.
Coding change: c.1471G>A on transcript NM_000414.4 (MANE Select); coding-DNA position 1471, G replaced by A.
Protein change: p.Ala491Thr; replaces alanine 491 with threonine.
Molecular consequence: missense variant. On other transcripts: non-coding transcript variant (2).
Genome position (GRCh38, 1-based): chr5:119,515,014, G>A. VCF-style: chr5-119515014-G-A. GRCh37 (hg19) VCF-style: chr5-118850709-G-A.
Other names: c.1546G>A, p.Ala516Thr (NM_001199291.3); c.1417G>A, p.Ala473Thr (NM_001199292.2); c.1399G>A, p.Ala467Thr (NM_001292027.2, NM_001374498.1); c.1051G>A, p.Ala351Thr (NM_001292028.2); c.1462G>A, p.Ala488Thr (NM_001374497.1); c.1144G>A, p.Ala382Thr (NM_001374499.1); c.1030G>A, p.Ala344Thr (NM_001374500.1); c.1060G>A, p.Ala354Thr (NM_001374501.1, NM_001374502.1, NM_001374503.1); short protein forms A491T, A516T, A351T, A467T, A473T, A488T, A344T, A382T.
Identifiers: ClinVar variation 194706 (VCV000194706.76), dbSNP rs28943591, ClinGen allele CA201313.
Genomic context (GRCh38, chr5:119,515,014, plus strand): 5'-ATTTAACATGTAATGTCTTAATTTTAGGTAGCTGTAGCCATACCTAATAGACCTCCTGAT[G>A]CTGTACTTACAGATACCACCTCTCTTAATCAGGTAAGATTGTATTTTTGAAAAATGATAA-3'
Protein context (NP_000405.1, residues 481-501): AVAIPNRPPD[Ala491Thr]VLTDTTSLNQ